The following is an entry in ClinVar:

NM_003680.4(YARS1):c.1487A>C (p.Lys496Thr)

Gene: YARS1 (tyrosyl-tRNA synthetase 1; minus strand). Cytogenetic location: 1p35.1.
Variant type: single nucleotide variant.
Coding change: c.1487A>C on transcript NM_003680.4 (MANE Select); coding-DNA position 1487, A replaced by C.
Protein change: p.Lys496Thr; replaces lysine 496 with threonine.
Molecular consequence: missense variant.
Genome position (GRCh38, 1-based): chr1:32,776,081, T>G on the plus strand (A>C on the coding strand, the complement: YARS1 is on the minus strand). VCF-style: chr1-32776081-T-G. GRCh37 (hg19) VCF-style: chr1-33241682-T-G.
Other names: short protein forms K496T.
Identifiers: ClinVar variation 852512 (VCV000852512.8), dbSNP rs768160751, ClinGen allele CA339678891.

ClinVar aggregate classification (germline): Uncertain significance (1 of 4 stars; one submission).

Conditions:
Charcot-Marie-Tooth disease dominant intermediate C (CMTDIC). Also called: CHARCOT-MARIE-TOOTH NEUROPATHY, DOMINANT INTERMEDIATE C. Identifiers: Orphanet 100045, MedGen C1842237, MONDO:0012012, OMIM 608323.

Submission:

Labcorp Genetics (formerly Invitae), Labcorp
Classification: Uncertain significance for Charcot-Marie-Tooth disease dominant intermediate C. Last evaluated: 2025-10-28. Review status: criteria provided, single submitter. Criteria: Invitae Variant Classification Sherloc (09022015). Collection method: clinical testing. Allele origin: germline.
Comment: This sequence change replaces lysine, which is basic and polar, with threonine, which is neutral and polar, at codon 496 of the YARS protein (p.Lys496Thr). This variant is not present in population databases (gnomAD no frequency). This variant has not been reported in the literature in individuals affected with YARS-related conditions. ClinVar contains an entry for this variant (Variation ID: 852512). Invitae Evidence Modeling of protein sequence and biophysical properties (such as structural, functional, and spatial information, amino acid conservation, physicochemical variation, residue mobility, and thermodynamic stability) indicates that this missense variant is not expected to disrupt YARS protein function with a negative predictive value of 80%. In summary, the available evidence is currently insufficient to determine the role of this variant in disease. Therefore, it has been classified as a Variant of Uncertain Significance.